The following is an entry in ClinVar:

ClinVar aggregate classification (germline): Pathogenic/Likely pathogenic. Review status: criteria provided, multiple submitters, no conflicts (2 of 4 stars). 3 submissions from 3 submitters: Pathogenic (2); Likely pathogenic (1). Last evaluated 2024-03-24.

Conditions:
Nephrotic syndrome, type 2 (NPHS2). Also called: NEPHROTIC SYNDROME, STEROID-RESISTANT, AUTOSOMAL RECESSIVE. Identifiers: Orphanet 656, MedGen C1868672, MONDO:0010974, OMIM 600995.

Submissions (3):

Baylor Genetics
Classification: Pathogenic for Nephrotic syndrome, type 2. Last evaluated: 2024-03-24. Review status: criteria provided, single submitter. Criteria: ACMG Guidelines, 2015. Collection method: clinical testing. Allele origin: unknown.

Fulgent Genetics
Classification: Likely pathogenic for Nephrotic syndrome, type 2. Last evaluated: 2024-01-02. Review status: criteria provided, single submitter. Criteria: ACMG Guidelines, 2015. Collection method: clinical testing. Allele origin: germline.

Labcorp Genetics (formerly Invitae), Labcorp
Classification: Pathogenic. Last evaluated: 2022-05-06. Review status: criteria provided, single submitter. Criteria: Invitae Variant Classification Sherloc (09022015). Collection method: clinical testing. Allele origin: germline.
Comment: For these reasons, this variant has been classified as Pathogenic. Algorithms developed to predict the effect of sequence changes on RNA splicing suggest that this variant may disrupt the consensus splice site. This variant is also known as c.378+1GT>TG. Disruption of this splice site has been observed in individuals with nephrotic syndrome (PMID: 25349199). Information on the frequency of this variant in the gnomAD database is not available, as this variant may be reported differently in the database. This sequence change affects a splice site in intron 2 of the NPHS2 gene. It is expected to disrupt RNA splicing. Variants that disrupt the donor or acceptor splice site typically lead to a loss of protein function (PMID: 16199547), and loss-of-function variants in NPHS2 are known to be pathogenic (PMID: 10742096, 14701729, 15253708, 23595123).

Literature cited by the submitters: PubMed 25349199 (cited by Labcorp Genetics (formerly Invitae), Labcorp); PubMed 16199547 (cited by Labcorp Genetics (formerly Invitae), Labcorp); PubMed 10742096 (cited by Labcorp Genetics (formerly Invitae), Labcorp); PubMed 14701729 (cited by Labcorp Genetics (formerly Invitae), Labcorp); PubMed 15253708 (cited by Labcorp Genetics (formerly Invitae), Labcorp); PubMed 23595123 (cited by Labcorp Genetics (formerly Invitae), Labcorp).

NM_014625.4(NPHS2):c.378+1_378+2delinsTG

Gene: NPHS2 (NPHS2 stomatin family member, podocin; minus strand). Cytogenetic location: 1q25.2.
Variant type: Indel.
Coding change: c.378+1_378+2delinsTG on transcript NM_014625.4 (MANE Select); the canonical splice donor site of the intron after coding-DNA position 378, GT replaced by TG.
Molecular consequence: splice donor variant.
Genome position (GRCh38, 1-based): chr1:179,564,688-179,564,689, AC replaced by CA on the plus strand (GT replaced by TG on the coding strand, the reverse complement: NPHS2 is on the minus strand). VCF-style: chr1-179564688-AC-CA. GRCh37 (hg19) VCF-style: chr1-179533823-AC-CA.
Other names: c.378+1_378+2delinsTG (NM_001297575.2).
Identifiers: ClinVar variation 1457049 (VCV001457049.11), dbSNP rs2125790074, ClinGen allele CA2573131332.